The following is an entry in ClinVar:

NM_001851.6(COL9A1):c.1422C>T (p.Thr474=)

Gene: COL9A1 (collagen type IX alpha 1 chain; minus strand). Cytogenetic location: 6q13.
Variant type: single nucleotide variant.
Coding change: c.1422C>T on transcript NM_001851.6 (MANE Select); coding-DNA position 1422, C replaced by T.
Protein change: p.Thr474=; no amino-acid change (threonine 474 retained).
Molecular consequence: synonymous variant. On other transcripts: non-coding transcript variant (1).
Genome position (GRCh38, 1-based): chr6:70,260,684, G>A on the plus strand (C>T on the coding strand, the complement: COL9A1 is on the minus strand). VCF-style: chr6-70260684-G-A. GRCh37 (hg19) VCF-style: chr6-70970387-G-A.
Other names: c.1422C>T (NM_001851.4); c.693C>T, p.Thr231= (NM_001377289.1, NM_001377290.1, NM_078485.4).
Identifiers: ClinVar variation 1540927 (VCV001540927.20), dbSNP rs540419799, ClinGen allele CA3882222.

ClinVar aggregate classification (germline): Conflicting classifications of pathogenicity. Review status: criteria provided, conflicting classifications (1 of 4 stars). 4 submissions from 4 submitters: Uncertain significance (1); Likely benign (2). 1 of the submissions does not count toward it. Last evaluated 2026-01-14.

Conditions:
COL9A1-related disorder. Also called: COL9A1-related disorders; COL9A1-related condition.

Allele frequency attached by ClinVar (database versions not stated): TOPMed 0.00002; 1000 Genomes Project 30x 0.00016; 1000 Genomes Project 0.00020.
gnomAD v4.1: 38 of 1,613,730 alleles (0.0024%); highest among the groups gnomAD compares: South Asian, 0.027%; no homozygotes.

Submissions (4):

Labcorp Genetics (formerly Invitae), Labcorp
Classification: Likely benign. Last evaluated: 2026-01-14. Review status: criteria provided, single submitter. Criteria: Invitae Variant Classification Sherloc (09022015). Collection method: clinical testing. Allele origin: germline.

CeGaT Center for Human Genetics Tuebingen
Classification: Uncertain significance. Last evaluated: 2025-05-01. Review status: criteria provided, single submitter. Criteria: CeGaT Center For Human Genetics Tuebingen Variant Classification Criteria Version 2. Collection method: clinical testing. Allele origin: germline. Affected: yes. Observed: 1 variant allele.
Comment: COL9A1: PM2, BP7

Blueprint Genetics
Classification: Likely benign. Last evaluated: 2018-01-11. Review status: criteria provided, single submitter. Criteria: ACMG Guidelines, 2015. Collection method: clinical testing. Allele origin: germline.

PreventionGenetics, part of Exact Sciences
Classification: Likely benign for COL9A1-related condition. Last evaluated: 2024-07-31. Review status: no assertion criteria provided. Collection method: clinical testing. Allele origin: germline. Not counted in ClinVar's aggregate classification.
Comment: This variant is classified as likely benign based on ACMG/AMP sequence variant interpretation guidelines (Richards et al. 2015 PMID: 25741868, with internal and published modifications).